The following is an entry in ClinVar:

NM_001270974.2(HYDIN):c.13435C>A (p.Leu4479Met)

Gene: HYDIN (HYDIN axonemal central pair apparatus protein; minus strand). Cytogenetic location: 16q22.2.
Variant type: single nucleotide variant.
Coding change: c.13435C>A on transcript NM_001270974.2 (MANE Select); coding-DNA position 13435, C replaced by A.
Protein change: p.Leu4479Met; replaces leucine 4479 with methionine.
Molecular consequence: missense variant.
Genome position (GRCh38, 1-based): chr16:70,834,131, G>T on the plus strand (C>A on the coding strand, the complement: HYDIN is on the minus strand). VCF-style: chr16-70834131-G-T. GRCh37 (hg19) VCF-style: chr16-70868034-G-T.
Other names: short protein forms L4479M.
Identifiers: ClinVar variation 3024950 (VCV003024950.23), dbSNP rs202145562, ClinGen allele CA8148622.

ClinVar aggregate classification (germline): Conflicting classifications of pathogenicity. Review status: criteria provided, conflicting classifications (1 of 4 stars). 2 submissions from 2 submitters: Uncertain significance (1); Likely benign (1). Last evaluated 2026-01-01.

Allele frequency attached by ClinVar (database versions not stated): ESP Exome Variant Server 0.00042; ExAC 0.00054; gnomAD 0.00056; gnomAD exomes 0.00059.
gnomAD v4.1: 928 of 1,613,690 alleles (0.058%); highest among the groups gnomAD compares: Non-Finnish European, 0.074%; no homozygotes.

Submissions (2):

CeGaT Center for Human Genetics Tuebingen
Classification: Likely benign. Last evaluated: 2026-01-01. Review status: criteria provided, single submitter. Criteria: CeGaT Center For Human Genetics Tuebingen Variant Classification Criteria Version 2. Collection method: clinical testing. Allele origin: germline. Affected: yes. Observed: 3 variant alleles.
Comment: HYDIN: BP4

Blueprint Genetics
Classification: Uncertain significance. Last evaluated: 2024-11-19. Review status: criteria provided, single submitter. Criteria: ACMG Guidelines, 2015. Collection method: clinical testing. Allele origin: germline.